The following is an entry in ClinVar:

ClinVar aggregate classification (germline): Uncertain significance. Review status: criteria provided, multiple submitters, no conflicts (2 of 4 stars). 2 submissions from 2 submitters: Uncertain significance (2). Last evaluated 2025-03-25.

Conditions:
Norman-Roberts syndrome (LIS2). Also called: Lissencephaly 2 (Norman-Roberts type). Identifiers: Orphanet 89844, MedGen C0796089, MONDO:0009760, OMIM 257320.
Familial temporal lobe epilepsy 7. Identifiers: Orphanet 101046, MedGen C4225327, MONDO:0014639, OMIM 616436.

Submissions (2):

Labcorp Genetics (formerly Invitae), Labcorp
Classification: Uncertain significance for Familial temporal lobe epilepsy 7; Norman-Roberts syndrome. Last evaluated: 2025-03-25. Review status: criteria provided, single submitter. Criteria: Invitae Variant Classification Sherloc (09022015). Collection method: clinical testing. Allele origin: germline.
Comment: This sequence change replaces serine, which is neutral and polar, with cysteine, which is neutral and slightly polar, at codon 2898 of the RELN protein (p.Ser2898Cys). This variant is not present in population databases (gnomAD no frequency). This variant has not been reported in the literature in individuals affected with RELN-related conditions. ClinVar contains an entry for this variant (Variation ID: 2657893). Invitae Evidence Modeling of protein sequence and biophysical properties (such as structural, functional, and spatial information, amino acid conservation, physicochemical variation, residue mobility, and thermodynamic stability) indicates that this missense variant is not expected to disrupt RELN protein function with a negative predictive value of 80%. In summary, the available evidence is currently insufficient to determine the role of this variant in disease. Therefore, it has been classified as a Variant of Uncertain Significance.

CeGaT Center for Human Genetics Tuebingen
Classification: Uncertain significance. Last evaluated: 2023-01-01. Review status: criteria provided, single submitter. Criteria: CeGaT Center For Human Genetics Tuebingen Variant Classification Criteria Version 2. Collection method: clinical testing. Allele origin: germline. Affected: yes. Observed: 1 variant allele.
Comment: RELN: PM2

NM_005045.4(RELN):c.8692A>T (p.Ser2898Cys)

Genes: RELN (reelin; minus strand), SLC26A5-AS1 (SLC26A5 antisense RNA 1; plus strand). Cytogenetic location: 7q22.1.
Variant type: single nucleotide variant.
Coding change: c.8692A>T on transcript NM_005045.4 (MANE Select); coding-DNA position 8692, A replaced by T.
Protein change: p.Ser2898Cys; replaces serine 2898 with cysteine.
Molecular consequence: missense variant.
Genome position (GRCh38, 1-based): chr7:103,498,228, T>A on the plus strand (A>T on the coding strand, the complement: RELN is on the minus strand). VCF-style: chr7-103498228-T-A. GRCh37 (hg19) VCF-style: chr7-103138675-T-A.
Other names: c.8692A>T, p.Ser2898Cys (NM_173054.3); short protein forms S2898C.
Identifiers: ClinVar variation 2657893 (VCV002657893.25), dbSNP rs773262289, ClinGen allele CA368753760.
Genomic context (GRCh38, chr7:103,498,228, plus strand): 5'-ACTCAGTGCAAGTACTTCCACCTTCTAAGGACATCCATAAGTCAGGTTTGATTTCTTCAC[T>A]GTCAAAGCGTTCCTTCAGGAAAGTCTGGAAATAAAATAAGCCAGATGTGGTTAAAAAAAC-3'
Protein context (NP_005036.2, residues 2888-2908): LKTFLKERFD[Ser2898Cys]EEIKPDLWMS